The following is an entry in ClinVar:

NM_001085049.3(MRAS):c.184A>G (p.Ile62Val)

Gene: MRAS (muscle RAS oncogene homolog; plus strand). Cytogenetic location: 3q22.3.
Variant type: single nucleotide variant.
Coding change: c.184A>G on transcript NM_001085049.3 (MANE Select); coding-DNA position 184, A replaced by G.
Protein change: p.Ile62Val; replaces isoleucine 62 with valine.
Molecular consequence: missense variant. On other transcripts: intron variant (3).
Genome position (GRCh38, 1-based): chr3:138,373,067, A>G. VCF-style: chr3-138373067-A-G. GRCh37 (hg19) VCF-style: chr3-138091909-A-G.
Other names: c.184A>G, p.Ile62Val (NM_001252090.2, NM_012219.4); c.-35-24257A>G (NM_001252091.1, NM_001252093.2); c.-36+24035A>G (NM_001252092.2); short protein forms I62V.
Identifiers: ClinVar variation 2017169 (VCV002017169.4), dbSNP rs2474072764, ClinGen allele CA354672668.

ClinVar aggregate classification (germline): Uncertain significance (1 of 4 stars; one submission).

Allele frequency attached by ClinVar (database versions not stated): gnomAD exomes below 0.00001.
gnomAD v4.1: 1 of 1,479,594 alleles (0.000068%); highest among the groups gnomAD compares: South Asian, 0.0014%; no homozygotes.

Submission:

Labcorp Genetics (formerly Invitae), Labcorp
Classification: Uncertain significance. Last evaluated: 2022-09-06. Review status: criteria provided, single submitter. Criteria: Invitae Variant Classification Sherloc (09022015). Collection method: clinical testing. Allele origin: germline.
Comment: In summary, the available evidence is currently insufficient to determine the role of this variant in disease. Therefore, it has been classified as a Variant of Uncertain Significance. Algorithms developed to predict the effect of missense changes on protein structure and function are either unavailable or do not agree on the potential impact of this missense change (SIFT: "Deleterious"; PolyPhen-2: "Benign"; Align-GVGD: "Class C0"). This sequence change replaces isoleucine, which is neutral and non-polar, with valine, which is neutral and non-polar, at codon 62 of the MRAS protein (p.Ile62Val). This variant is not present in population databases (gnomAD no frequency). This variant has not been reported in the literature in individuals affected with MRAS-related conditions.